The following is an entry in ClinVar:

NM_001903.5(CTNNA1):c.859-20C>T

Gene: CTNNA1 (catenin alpha 1; plus strand). Cytogenetic location: 5q31.2.
Variant type: single nucleotide variant.
Coding change: c.859-20C>T on transcript NM_001903.5 (MANE Select); 20 bases into the intron before coding-DNA position 859, C replaced by T.
Molecular consequence: intron variant.
Genome position (GRCh38, 1-based): chr5:138,827,495, C>T. VCF-style: chr5-138827495-C-T. GRCh37 (hg19) VCF-style: chr5-138163184-C-T.
Other names: c.859-20C>T (NM_001323982.2, NM_001323984.2, NM_001290307.3 and 3 more transcripts); c.490-20C>T (NM_001290310.3); c.550-20C>T (NM_001290309.3).
Identifiers: ClinVar variation 2148106 (VCV002148106.6), dbSNP rs770552795, ClinGen allele CA3431579.

ClinVar aggregate classification (germline): Likely benign. Review status: criteria provided, multiple submitters, no conflicts (2 of 4 stars). 3 submissions from 3 submitters: Likely benign (3). Last evaluated 2025-09-22.

Conditions:
Hereditary diffuse gastric adenocarcinoma (HDGC). Also called: DIFFUSE GASTRIC AND LOBULAR BREAST CANCER SYNDROME. Identifiers: Orphanet 26106, MedGen C1708349, MONDO:0007648, OMIM 137215.

Allele frequency attached by ClinVar (database versions not stated): gnomAD 0.00002.
gnomAD v4.1: 12 of 1,611,666 alleles (0.00074%); highest among the groups gnomAD compares: South Asian, 0.0044%; no homozygotes.

Submissions (3):

Labcorp Genetics (formerly Invitae), Labcorp
Classification: Likely benign. Last evaluated: 2025-09-22. Review status: criteria provided, single submitter. Criteria: Invitae Variant Classification Sherloc (09022015). Collection method: clinical testing. Allele origin: germline.

Myriad Genetics, Inc.
Classification: Likely benign for Hereditary diffuse gastric adenocarcinoma. Last evaluated: 2024-10-10. Review status: criteria provided, single submitter. Criteria: Myriad Autosomal Dominant, Autosomal Recessive and X-Linked Classification Criteria (2023). Collection method: clinical testing. Allele origin: unknown.
Comment: This variant is considered likely benign. This variant is intronic and is not expected to impact mRNA splicing.

Blueprint Genetics
Classification: Likely benign. Last evaluated: 2021-10-27. Review status: criteria provided, single submitter. Criteria: ACMG Guidelines, 2015. Collection method: clinical testing. Allele origin: germline.